The following is an entry in ClinVar:

ClinVar aggregate classification (germline): Uncertain significance (1 of 4 stars; one submission).

Allele frequency attached by ClinVar (database versions not stated): gnomAD 0.00001; TOPMed 0.00001.
gnomAD v4.1: 1 of 1,613,974 alleles (0.000062%); highest among the groups gnomAD compares: African/African-American, 0.0013%; no homozygotes.

Submission:

Labcorp Genetics (formerly Invitae), Labcorp
Classification: Uncertain significance. Last evaluated: 2022-07-26. Review status: criteria provided, single submitter. Criteria: Invitae Variant Classification Sherloc (09022015). Collection method: clinical testing. Allele origin: germline.
Comment: In summary, the available evidence is currently insufficient to determine the role of this variant in disease. Therefore, it has been classified as a Variant of Uncertain Significance. Algorithms developed to predict the effect of missense changes on protein structure and function are either unavailable or do not agree on the potential impact of this missense change (SIFT: "Deleterious"; PolyPhen-2: "Benign"; Align-GVGD: "Class C65"). ClinVar contains an entry for this variant (Variation ID: 1432720). This variant has not been reported in the literature in individuals affected with USH2A-related conditions. This variant is not present in population databases (gnomAD no frequency). This sequence change replaces glutamic acid, which is acidic and polar, with alanine, which is neutral and non-polar, at codon 745 of the USH2A protein (p.Glu745Ala).

NM_206933.4(USH2A):c.2234A>C (p.Glu745Ala)

Gene: USH2A (usherin; minus strand). Cytogenetic location: 1q41.
Variant type: single nucleotide variant.
Coding change: c.2234A>C on transcript NM_206933.4 (MANE Select); coding-DNA position 2234, A replaced by C.
Protein change: p.Glu745Ala; replaces glutamic acid 745 with alanine.
Molecular consequence: missense variant.
Genome position (GRCh38, 1-based): chr1:216,247,160, T>G on the plus strand (A>C on the coding strand, the complement: USH2A is on the minus strand). VCF-style: chr1-216247160-T-G. GRCh37 (hg19) VCF-style: chr1-216420502-T-G.
Other names: c.2234A>C, p.Glu745Ala (NM_007123.6); short protein forms E745A.
Identifiers: ClinVar variation 1432720 (VCV001432720.9), dbSNP rs1450983588, ClinGen allele CA344865492.
Genomic context (GRCh38, chr1:216,247,160, plus strand): 5'-TGCCCAGAGTGAGGATTGCAGAATTTGTTCACTGAGCCATGGAGGTTACACTGGCAGGGC[T>G]CACATCCAACATCATTAAAGCTTCGGAGAAATTTAAATCCAAAATTGCAATGATCACACC-3'
Protein context (NP_996816.3, residues 735-755): FLRSFNDVGC[Glu745Ala]PCQCNLHGSV